The following is an entry in ClinVar:

ClinVar aggregate classification (germline): Conflicting classifications of pathogenicity. Review status: criteria provided, conflicting classifications (1 of 4 stars). 6 submissions from 6 submitters: Pathogenic (1); Likely pathogenic (4); Uncertain significance (1). Last evaluated 2026-03-10.
ClinVar aggregate classification (oncogenicity): Uncertain significance (1 of 4 stars; one submission).

Conditions:
Deafness-lymphedema-leukemia syndrome. Also called: Lymphedema, primary, with myelodysplasia; Emberger syndrome. Identifiers: Orphanet 3226, MedGen C3279664, MONDO:0013540, OMIM 614038.
Monocytopenia with susceptibility to infections. Also called: IMMUNODEFICIENCY 21; GATA2 DEFICIENCY; MONOCYTOPENIA AND MYCOBACTERIAL INFECTION SYNDROME; MONOCYTOPENIA WITH SUSCEPTIBILITY TO MYCOBACTERIAL, FUNGAL, AND PAPILLOMAVIRUS INFECTIONS AND MYELODYSPLASIA; COMBINED IMMUNODEFICIENCY WITH SUSCEPTIBILITY TO MYCOBACTERIAL, VIRAL, AND FUNGAL INFECTIONS; Dendritic cell, monocyte, B lymphocyte, and natural killer lymphocyte deficiency. Identifiers: Orphanet 228423, MedGen C3280030, MONDO:0013607, OMIM 614172.
Acute myeloid leukemia (AML). Also called: Acute myeloid leukemia, adult; AML adult; Acute non-lymphocytic leukemia; Acute granulocytic leukemia; Leukemia, acute myeloid, somatic; Leukemia, acute myelogenous, somatic. Identifiers: Orphanet 519, MedGen C0023467, MeSH D015470, MONDO:0018874, OMIM 601626, HP:0004808. Disease mechanism: Constitutively activated FLT3.
Inborn genetic diseases. Identifiers: MedGen C0950123, MeSH D030342.
Neoplasm. Also called: tumor; Neoplasms; Neoplasm (disease). Identifiers: MedGen C0027651, MeSH D009369, MONDO:0005070, HP:0002664.

Submissions (7):

Kasturba Medical College, Manipal, Kasturba Medical College, Manipal, Manipal Academy of Higher Education, Manipal, India
Classification: Pathogenic for Acute myeloid leukemia. Last evaluated: 2026-03-10. Review status: criteria provided, single submitter. Criteria: ACMG Guidelines, 2015. Collection method: research. Allele origin: germline. Inheritance: Autosomal dominant inheritance. Affected: yes. Observed: 1 variant allele, 1 heterozygote.
Comment: A missense variant, c.1085G>A p.(Arg362Gln) in exon 5 of GATA2 (NM_032638.5), was identified in a heterozygous state in the proband (Chong et al., 2018; ClinVar ID: VCV000623173.13). His father's sample was not available for testing. This variant is not observed in homozygous and/or heterozygous state in gnomAD (v4.1.0) and our in-house database of 4025 exomes. In-silico prediction tools (REVEL, AlphaMissense, MutationTaster) are consistent in predicting the variant to be damaging to protein function. A study by Chong et al (2018) demonstrated that this variant shows reduced but detectable DNA binding activity, and residual transactivation capacity as compared to controls using HEK293 cell-based assays. Additionally, it is also shown to de-repress colony formation consistent with leukomogenic potential by hematopoietic transplantation assay in murine Lin⁻ Sca-1⁺ c-Kit⁺ (LSK) cells (Chong et al., 2018). Another aminoacid change, p.(Arg362Pro) at the same position has been reported as pathogenic causing susceptibility to myeloid leukaemia (Donadieu et al., 2018; ClinVar ID: VCV001184157.3).

Center for Genomic Medicine, Rigshospitalet, Copenhagen University Hospital
Classification: Uncertain significance for Neoplasm. Last evaluated: 2025-12-29. Review status: criteria provided, single submitter. Criteria: ClinGen/CGC/VICC Guidelines for Oncogenicity, 2022. Collection method: clinical testing. Allele origin: somatic. Affected: yes.

Ambry Genetics
Classification: Likely pathogenic for Inborn genetic diseases. Last evaluated: 2025-03-12. Review status: criteria provided, single submitter. Criteria: Ambry Variant Classification Scheme 2023. Collection method: clinical testing. Allele origin: germline.
Comment: The p.R362Q variant (also known as c.1085G>A), located in coding exon 4 of the GATA2 gene, results from a G to A substitution at nucleotide position 1085. The arginine at codon 362 is replaced by glutamine, an amino acid with highly similar properties. This variant was reported in individual(s) with features consistent with GATA2 deficiency syndrome (Weinberg OK et al. Am J Clin Pathol, 2019 Aug;152:258-276; van Lier YF et al. Clin Immunol, 2020 Sep;218:108522). This missense variant is located in a region that has a low rate of benign missense variation (Lek M et al. Nature. 2016 Aug 18;536(7616):285-91; DECIPHER: Database of Chromosomal Imbalance and Phenotype in Humans using Ensembl Resources. Firth H.V. et al. 2009. Am.J.Hum.Genet. 84, 524-533 (DOI)). This amino acid position is highly conserved in available vertebrate species. In addition, this alteration is predicted to be deleterious by in silico analysis. Based on the majority of available evidence to date, this variant is likely to be pathogenic.

ARUP Laboratories, Molecular Genetics and Genomics, ARUP Laboratories
Classification: Likely pathogenic. Last evaluated: 2025-03-04. Review status: criteria provided, single submitter. Criteria: ARUP Molecular Germline Variant Investigation Process 2024. Collection method: clinical testing. Allele origin: germline.
Comment: The GATA2 c.1085G>A; p.Arg362Gln variant (rs867160952, ClinVar Variation ID 623173) is reported as both inherited and acquired variant in individuals with hematological malignancies (Luesink 2012, Newman 2024, Shiba 2014, van Lier 2020, Weinberg 2019). This variant is absent from the Genome Aggregation Database (v2.1.1), indicating it is not a common polymorphism. Additionally, other variants at this codon (c.1084C>G, p.Arg362Gly; c.1085G>C, p.Arg362Pro) have also been reported in individuals with hematological malignancies (Donadieu 2018, Luesink 2012, Roncareggi 2023, Shiba 2014). Functional analyses of the variant protein show decreased DNA binding and transactivation activities (Chong 2018). Computational analyses predict that this variant is deleterious (REVEL: 0.961). Based on available information, this variant is considered to be likely pathogenic. References: Chong CE et al. Differential effects on gene transcription and hematopoietic differentiation correlate with GATA2 mutant disease phenotypes. Leukemia. 2018 Jan. PMID: 28642594 Donadieu J et al. Natural history of GATA2 deficiency in a survey of 79 French and Belgian patients. Haematologica. 2018 Aug. PMID: 29724903 Kazenwadel J et al. GATA2 is required for lymphatic vessel valve development and maintenance. J Clin Invest. 2015 Aug 03. PMID: 26214525 Luesink M et al. High GATA2 expression is a poor prognostic marker in pediatric acute myeloid leukemia. Blood. 2012 Sep 6. PMID: 22786876 Newman H et al. Genomic profiling of pediatric hematologic malignancies and diagnosis of cancer predisposition syndromes: tumoronly versus paired tumor-normal sequencing. Haematologica. 2024 Sep 1. PMID: 38385299 Roncareggi S et al. A Nationwide Study of GATA2 Deficiency in Italy Reveals Novel Symptoms and Genotype-phenotype Association. J Clin Immunol. 2023 Nov. PMID: 37837580 Shiba N et al. Mutations of the GATA2 and CEBPA genes in paediatric acute myeloid leukaemia. Br J Haematol. 2014 Jan. PMID: 24033149 van Lier YF et al. Allogeneic hematopoietic cell transplantation in the management of GATA2 deficiency and pulmonary alveolar proteinosis. Clin Immunol. 2020 Sep. PMID: 32682923 Weinberg OK et al. Germline Predisposition to Hematolymphoid Neoplasia. Am J Clin Pathol. 2019 Aug 1. PMID: 31309983

Labcorp Genetics (formerly Invitae), Labcorp
Classification: Uncertain significance for Monocytopenia with susceptibility to infections; Deafness-lymphedema-leukemia syndrome. Last evaluated: 2024-01-09. Review status: criteria provided, single submitter. Criteria: Invitae Variant Classification Sherloc (09022015). Collection method: clinical testing. Allele origin: germline.
Comment: This sequence change replaces arginine, which is basic and polar, with glutamine, which is neutral and polar, at codon 362 of the GATA2 protein (p.Arg362Gln). This variant is not present in population databases (gnomAD no frequency). This missense change has been observed in individual(s) with clinical features of GATA2-related conditions (PMID: 31309983, 32682923). ClinVar contains an entry for this variant (Variation ID: 623173). Advanced modeling of protein sequence and biophysical properties (such as structural, functional, and spatial information, amino acid conservation, physicochemical variation, residue mobility, and thermodynamic stability) performed at Invitae indicates that this missense variant is expected to disrupt GATA2 protein function with a positive predictive value of 95%. Experimental studies have shown that this missense change affects GATA2 function (PMID: 26214525). In summary, the available evidence is currently insufficient to determine the role of this variant in disease. Therefore, it has been classified as a Variant of Uncertain Significance.

Mayo Clinic Laboratories, Mayo Clinic
Classification: Likely pathogenic. Last evaluated: 2020-03-23. Review status: criteria provided, single submitter. Criteria: ACMG Guidelines, 2015. Collection method: clinical testing. Allele origin: germline. Observed: 3 variant alleles.
Comment: PS4_Moderate, PM1, PM2, PP3

Molecular Diagnostics Laboratory, M Health Fairview: University of Minnesota
Classification: Likely pathogenic for Deafness-lymphedema-leukemia syndrome. Last evaluated: 2016-11-07. Review status: criteria provided, single submitter. Criteria: ACMG Guidelines, 2015. Collection method: clinical testing. Allele origin: germline. Affected: yes. Observed: 1 variant allele.

Literature cited by the submitters: PMC PMC5770593 (cited by Kasturba Medical College, Manipal, Kasturba Medical College, Manipal, Manipal Academy of Higher Education, Manipal, India); PMC PMC6068047 (cited by Kasturba Medical College, Manipal, Kasturba Medical College, Manipal, Manipal Academy of Higher Education, Manipal, India); PubMed 26214525 (cited by 3 submitters); PubMed 28642594 (cited by Center for Genomic Medicine, Rigshospitalet, Copenhagen University Hospital); PubMed 37580379 (cited by Center for Genomic Medicine, Rigshospitalet, Copenhagen University Hospital); PubMed 31309983 (cited by 3 submitters); PubMed 32682923 (cited by Ambry Genetics and Labcorp Genetics (formerly Invitae), Labcorp); PubMed 21892162 (cited by Mayo Clinic Laboratories, Mayo Clinic); PubMed 30190467 (cited by Mayo Clinic Laboratories, Mayo Clinic); PubMed 27375010 (cited by Mayo Clinic Laboratories, Mayo Clinic); PubMed 29724903 (cited by Mayo Clinic Laboratories, Mayo Clinic); PubMed 21892158 (cited by Molecular Diagnostics Laboratory, M Health Fairview: University of Minnesota).

NM_032638.5(GATA2):c.1085G>A (p.Arg362Gln)

Gene: GATA2 (GATA binding protein 2; minus strand). Cytogenetic location: 3q21.3.
Variant type: single nucleotide variant.
Coding change: c.1085G>A on transcript NM_032638.5 (MANE Select); coding-DNA position 1085, G replaced by A.
Protein change: p.Arg362Gln; replaces arginine 362 with glutamine.
Molecular consequence: missense variant.
Genome position (GRCh38, 1-based): chr3:128,481,877, C>T on the plus strand (G>A on the coding strand, the complement: GATA2 is on the minus strand). VCF-style: chr3-128481877-C-T. GRCh37 (hg19) VCF-style: chr3-128200720-C-T.
Other names: c.1085G>A, p.Arg362Gln (NM_001145661.2); c.1043G>A, p.Arg348Gln (NM_001145662.1); c.1085G>A (NM_032638.4); short protein forms R362Q, R348Q.
Identifiers: ClinVar variation 623173 (VCV000623173.14), dbSNP rs867160952, ClinGen allele CA83376555.